The following is an entry in ClinVar:

NM_006019.4(TCIRG1):c.211_212delinsAT (p.Glu71Met)

Gene: TCIRG1 (T cell immune regulator 1, ATPase H+ transporting V0 subunit a3; plus strand). Cytogenetic location: 11q13.2.
Variant type: Indel.
Coding change: c.211_212delinsAT on transcript NM_006019.4 (MANE Select); coding-DNA positions 211 to 212, GA replaced by AT.
Protein change: p.Glu71Met; replaces glutamic acid 71 with methionine.
Molecular consequence: missense variant. On other transcripts: 5 prime UTR variant (1), intron variant (1).
Genome position (GRCh38, 1-based): chr11:68,042,657-68,042,658, GA replaced by AT. VCF-style: chr11-68042657-GA-AT. GRCh37 (hg19) VCF-style: chr11-67810124-GA-AT.
Other names: c.-1039_-1038delinsAT (NM_001351059.2); c.211_212delinsAT, p.Glu71Met (NM_001440552.1, NM_001440553.1, NM_001440554.1 and 9 more transcripts); c.169_170delinsAT, p.Glu57Met (NM_001440555.1, NM_001440556.1, NM_001440563.1 and 2 more transcripts); c.118-289_118-288delinsAT (NM_001440565.1); short protein forms E57M, E71M.
Identifiers: ClinVar variation 4811764 (VCV004811764.1).
Genomic context (GRCh38, chr11:68,042,657, plus strand): 5'-TTGAGACAACCTCAACTGCACCCCACTCCCGTTCCTCTGCGCCCAGCCTTCCTGCAGGAG[GA>AT]GGTGCGGCGGGCTGGGCTGGTCCTGCCCCCGCCAAAGGGGAGGCTGCCGGCACCCCCACC-3'
Protein context (NP_006010.2, residues 61-81): LEKTFTFLQE[Glu71Met]VRRAGLVLPP

ClinVar aggregate classification (germline): Uncertain significance (1 of 4 stars; one submission).

Submission:

Labcorp Genetics (formerly Invitae), Labcorp
Classification: Uncertain significance. Last evaluated: 2025-12-03. Review status: criteria provided, single submitter. Criteria: Invitae Variant Classification Sherloc (09022015). Collection method: clinical testing. Allele origin: germline.
Comment: This sequence change replaces glutamic acid, which is acidic and polar, with methionine, which is neutral and non-polar, at codon 71 of the TCIRG1 protein (p.Glu71Met). Information on the frequency of this variant in the gnomAD database is not available, as this variant may be reported differently in the database. This variant has not been reported in the literature in individuals affected with TCIRG1-related conditions. An algorithm developed to predict the effect of missense changes on protein structure and function (PolyPhen-2) suggests that this variant is likely to be disruptive. In summary, the available evidence is currently insufficient to determine the role of this variant in disease. Therefore, it has been classified as a Variant of Uncertain Significance.